The following is an entry in ClinVar:

NM_000202.8(IDS):c.395C>G (p.Ser132Trp)

Gene: IDS (iduronate 2-sulfatase; minus strand). Cytogenetic location: Xq28.
Variant type: single nucleotide variant.
Coding change: c.395C>G on transcript NM_000202.8 (MANE Select); coding-DNA position 395, C replaced by G.
Protein change: p.Ser132Trp; replaces serine 132 with tryptophan.
Molecular consequence: missense variant. On other transcripts: non-coding transcript variant (1).
Genome position (GRCh38, 1-based): chrX:149,503,335, G>C on the plus strand (C>G on the coding strand, the complement: IDS is on the minus strand). VCF-style: chrX-149503335-G-C. GRCh37 (hg19) VCF-style: chrX-148584865-G-C.
Other names: c.125C>G, p.Ser42Trp (NM_001166550.4); c.395C>G, p.Ser132Trp (NM_006123.5); short protein forms S132W, S42W.
Identifiers: ClinVar variation 3255695 (VCV003255695.2).
Genomic context (GRCh38, chrX:149,503,335, plus strand): 5'-AACCAAGAGAACCCAGACTCTGGACATGGAGCAGTACCAGGGTGAAAGACTTTTCCCACC[G>C]ACATGGTCACATAGCCATTCTCCTTGAAGTACTGGGGGATGGTGGAGAAGTTTCCAGCGT-3'
Protein context (NP_000193.1, residues 122-142): YFKENGYVTM[Ser132Trp]VGKVFHPGIS

ClinVar aggregate classification (germline): Likely pathogenic (1 of 4 stars; one submission).

Conditions:
Mucopolysaccharidosis, MPS-II (MPS2). Also called: Hunter Syndrome; IDURONATE 2-SULFATASE DEFICIENCY; Mucopolysaccharidosis Type II; Mucopolysaccharidosis type 2; Attenuated MPS (subtype; formerly known as mild MPS II); Severe MPS II. Identifiers: Orphanet 580, Orphanet 79388, MedGen C0026705, MONDO:0010674, OMIM 309900.

Submission:

Laboratory of Diagnosis and Therapy of Lysosomal Disorders, University of Padova
Classification: Likely pathogenic for Mucopolysaccharidosis, MPS-II. Last evaluated: 2024-06-07. Review status: criteria provided, single submitter. Criteria: ACMG Guidelines, 2015. Collection method: literature only. Allele origin: germline. Affected: yes. Observed: 6 variant alleles.
Comment: Prevalence of the variant significantly increased in affected individuals compared with controls (PS4_Supporting), Absent from controls (or at low frequency) in gnomAD database (PM2_Moderate), Missense variant in a gene with a low rate of benign missense variation (PP2_Supporting), Multiple lines of computational evidence support a deleterious effect (PP3_Supporting), Patient’s phenotype or family history highly specific for the disease (PP4_Strong)

Classification method: ACMG Guidelines [PMID:25741868] with modifications

Literature cited by the submitters: PubMed 24780617; PubMed 7887413; PubMed 9266380; PubMed 33676511.